The following is an entry in ClinVar:

NM_058004.4(PI4KA):c.3976C>T (p.Arg1326Cys)

Gene: PI4KA (phosphatidylinositol 4-kinase alpha; minus strand). Cytogenetic location: 22q11.21.
Variant type: single nucleotide variant.
Coding change: c.3976C>T on transcript NM_058004.4 (MANE Select); coding-DNA position 3976, C replaced by T.
Protein change: p.Arg1326Cys; replaces arginine 1326 with cysteine.
Molecular consequence: missense variant.
Genome position (GRCh38, 1-based): chr22:20,734,119, G>A on the plus strand (C>T on the coding strand, the complement: PI4KA is on the minus strand). VCF-style: chr22-20734119-G-A. GRCh37 (hg19) VCF-style: chr22-21088407-G-A.
Other names: c.3883C>T, p.Arg1295Cys (NM_001362862.2); c.3910C>T, p.Arg1304Cys (NM_001362863.2); short protein forms R1295C, R1304C, R1326C.
Identifiers: ClinVar variation 3359036 (VCV003359036.3).
Genomic context (GRCh38, chr22:20,734,119, plus strand): 5'-TGGCCGCCACGTGCCGGTTCATGCTCCCCTTGGCCCCGCCGATGTTCAGGGACATGGAGC[G>A]CTGCAGCAGGCTGGAGAAGATCTCCACTTGGTCAGAGCTGCAGTACTTGGCGATCTCAAA-3'
Protein context (NP_477352.3, residues 1316-1336): QVEIFSSLLQ[Arg1326Cys]SMSLNIGGAK

ClinVar aggregate classification (germline): Likely pathogenic (1 of 4 stars; one submission).

Conditions:
Polymicrogyria, perisylvian, with cerebellar hypoplasia and arthrogryposis (NEDSPLB). Identifiers: MedGen C4225295, MONDO:0014679, OMIM 616531.

Submission:

Institute of Human Genetics, University of Leipzig Medical Center
Classification: Likely pathogenic for Polymicrogyria, perisylvian, with cerebellar hypoplasia and arthrogryposis. Last evaluated: 2026-03-24. Review status: criteria provided, single submitter. Criteria: ACMG Guidelines, 2015. Collection method: clinical testing. Allele origin: paternal. Inheritance: Autosomal recessive inheritance. Affected: yes.
Comment: Criteria applied: PM2,PM3,PP2,PP3; Identified as compund heterozygous with NM_058004.4:c.3868C>G